The following is an entry in ClinVar:

ClinVar aggregate classification (germline): Likely benign. Review status: criteria provided, multiple submitters, no conflicts (2 of 4 stars). 3 submissions from 3 submitters: Likely benign (3). Last evaluated 2025-05-27.

Conditions:
Hereditary cancer-predisposing syndrome. Also called: Hereditary neoplastic syndrome; Tumor predisposition; Hereditary Cancer Syndrome; Neoplastic Syndromes, Hereditary. Identifiers: Orphanet 140162, MedGen C0027672, MeSH D009386, MONDO:0015356.
BRCA1-related cancer predisposition. Identifiers: MedGen CN377757, MONDO:0700268.

Allele frequency attached by ClinVar (database versions not stated): gnomAD below 0.00001 and 0.00001.
gnomAD v4.1: 1 of 1,585,702 alleles (0.000063%); highest among the groups gnomAD compares: South Asian, 0.0011%; no homozygotes.

Submissions (4):

Ambry Genetics
Classification: Likely benign for Hereditary cancer-predisposing syndrome. Last evaluated: 2025-05-27. Review status: criteria provided, single submitter. Criteria: Ambry Variant Classification Scheme 2023. Collection method: clinical testing. Allele origin: germline.

All of Us Research Program, National Institutes of Health
Classification: Likely benign for BRCA1-related cancer predisposition. Last evaluated: 2024-09-17. Review status: criteria provided, single submitter. Criteria: ACMG Guidelines, 2015. Collection method: clinical testing. Allele origin: germline. Inheritance: Autosomal dominant inheritance. Observed: 2 variant alleles, 2 heterozygotes.
Comment: This study involves interpretation of variants in research participants for the purpose of population health screening. Participant phenotype was not available at the time of variant classification. Additional details can be found in publication PMID: 35346344, PMCID: PMC8962531

Color Diagnostics, LLC DBA Color Health
Classification: Likely benign for Hereditary cancer-predisposing syndrome. Last evaluated: 2018-05-18. Review status: criteria provided, single submitter. Criteria: ACMG Guidelines, 2015. Collection method: clinical testing. Allele origin: germline.

Brotman Baty Institute, University of Washington
No classification provided (evidence only). Condition: Breast-ovarian cancer, familial 1. Review status: no classification provided. Collection method: in vitro. Allele origin: not applicable. Functional consequence: functionally_normal. Not counted in ClinVar's aggregate classification.
ClinVar note: "not provided" was previously submitted as the classification for the variant. However, the classification appeared to be based only on an observation of functional data so it was converted to no classification on 2025-07-30.

NM_007294.4(BRCA1):c.207C>G (p.Thr69=)

Gene: BRCA1 (BRCA1 DNA repair associated; minus strand). Cytogenetic location: 17q21.31.
Variant type: single nucleotide variant.
Coding change: c.207C>G on transcript NM_007294.4 (MANE Select); coding-DNA position 207, C replaced by G.
Protein change: p.Thr69=; no amino-acid change (threonine 69 retained).
Molecular consequence: synonymous variant. On other transcripts: intron variant (95).
Genome position (GRCh38, 1-based): chr17:43,106,461, G>C on the plus strand (C>G on the coding strand, the complement: BRCA1 is on the minus strand). VCF-style: chr17-43106461-G-C. GRCh37 (hg19) VCF-style: chr17-41258478-G-C.
Other names: c.207C>G, p.Thr69= (NM_001408429.1, NM_001407581.1, NM_001408430.1 and 168 more transcripts); c.66C>G, p.Thr22= (NM_001408452.1, NM_001408453.1, NM_001408454.1 and 99 more transcripts); c.-218-11601C>G (NM_001407967.1, NM_001407966.1); c.-169-1505C>G (NM_001407959.1, NM_001407962.1, NM_001408512.1 and 4 more transcripts); c.2+17C>G (NM_001407885.1, NM_001407886.1, NM_001407898.1 and 58 more transcripts); c.81-1505C>G (NM_001408451.1); c.135-1505C>G (NM_001408475.1, NM_001407875.1, NM_001407659.1 and 21 more transcripts).
Identifiers: ClinVar variation 628390 (VCV000628390.7), dbSNP rs1567812175, ClinGen allele CA500128080.
Genomic context (GRCh38, chr17:43,106,461, plus strand): 5'-CTACTTTTTCCTACTGTGGTTGCTTCCAACCTAGCATCATTACCAAATTATATACCTTTT[G>C]GTTATATCATTCTTACATAAAGGACACTGTGAAGGCCCTTTCTTCTGGTTGAGAAGTTTC-3'
Protein context (NP_009225.1, residues 59-79): SQCPLCKNDI[Thr69=]KRSLQESTRF